The following is an entry in ClinVar:

NM_012330.4(KAT6B):c.4004C>T (p.Pro1335Leu)

Gene: KAT6B (lysine acetyltransferase 6B; plus strand). Cytogenetic location: 10q22.2.
Variant type: single nucleotide variant.
Coding change: c.4004C>T on transcript NM_012330.4 (MANE Select); coding-DNA position 4004, C replaced by T.
Protein change: p.Pro1335Leu; replaces proline 1335 with leucine.
Molecular consequence: missense variant.
Genome position (GRCh38, 1-based): chr10:75,028,828, C>T. VCF-style: chr10-75028828-C-T. GRCh37 (hg19) VCF-style: chr10-76788586-C-T.
Other names: c.3455C>T, p.Pro1152Leu (NM_001256468.2, NM_001370138.1); c.3128C>T, p.Pro1043Leu (NM_001256469.2, NM_001370139.1, NM_001370140.1 and 2 more transcripts); c.2966C>T, p.Pro989Leu (NM_001370132.1); c.2315C>T, p.Pro772Leu (NM_001370133.1); c.1919C>T, p.Pro640Leu (NM_001370134.1); c.1661C>T, p.Pro554Leu (NM_001370135.1); c.4004C>T, p.Pro1335Leu (NM_001370136.1, NM_001370137.1); c.2939C>T, p.Pro980Leu (NM_001370143.1, NM_001370144.1); short protein forms P980L, P554L, P772L, P989L, P640L, P1043L, P1152L, P1335L.
Identifiers: ClinVar variation 2908466 (VCV002908466.3), dbSNP rs757599670, ClinGen allele CA5564939.

ClinVar aggregate classification (germline): Uncertain significance (1 of 4 stars; one submission).

Conditions:
Genitopatellar syndrome (GTPTS). Also called: ABSENT PATELLAE, SCROTAL HYPOPLASIA, RENAL ANOMALIES, FACIAL DYSMORPHISM, AND MENTAL RETARDATION; Genitopatellar syndrome (GPS). Identifiers: Orphanet 85201, MedGen C1853566, MONDO:0011640, OMIM 606170.

Allele frequency attached by ClinVar (database versions not stated): gnomAD exomes 0.00001; ExAC 0.00002.
gnomAD v4.1: 15 of 1,613,900 alleles (0.00093%); highest among the groups gnomAD compares: South Asian, 0.015%; no homozygotes.

Submission:

Labcorp Genetics (formerly Invitae), Labcorp
Classification: Uncertain significance for Genitopatellar syndrome. Last evaluated: 2025-07-06. Review status: criteria provided, single submitter. Criteria: Invitae Variant Classification Sherloc (09022015). Collection method: clinical testing. Allele origin: germline.
Comment: This sequence change replaces proline, which is neutral and non-polar, with leucine, which is neutral and non-polar, at codon 1335 of the KAT6B protein (p.Pro1335Leu). This variant is present in population databases (rs757599670, gnomAD 0.03%). This variant has not been reported in the literature in individuals affected with KAT6B-related conditions. ClinVar contains an entry for this variant (Variation ID: 2908466). Invitae Evidence Modeling of protein sequence and biophysical properties (such as structural, functional, and spatial information, amino acid conservation, physicochemical variation, residue mobility, and thermodynamic stability) indicates that this missense variant is not expected to disrupt KAT6B protein function with a negative predictive value of 80%. In summary, the available evidence is currently insufficient to determine the role of this variant in disease. Therefore, it has been classified as a Variant of Uncertain Significance.